The following is an entry in ClinVar:

ClinVar aggregate classification (germline): Likely benign. Review status: criteria provided, multiple submitters, no conflicts (2 of 4 stars). 6 submissions from 6 submitters: Likely benign (4). 2 of the submissions do not count toward it. Last evaluated 2026-01-27.

Conditions:
TSC2-related disorder. Also called: TSC2-Related Disorders; TSC2-related condition.
Tuberous sclerosis syndrome (TSC). Also called: Tuberous Sclerosis Complex; Tuberous sclerosis. Identifiers: Orphanet 805, MedGen C0041341, MONDO:0001734.
Tuberous sclerosis 2 (TSC2). Identifiers: Orphanet 805, MedGen C1860707, MONDO:0013199, OMIM 613254.

Allele frequency attached by ClinVar (database versions not stated): gnomAD 0.00003 and 0.00004; ESP Exome Variant Server 0.00008; TOPMed 0.00003.
gnomAD v4.1: 16 of 1,608,606 alleles (0.00099%); highest among the groups gnomAD compares: Admixed American, 0.0017%; no homozygotes.

Submissions (6):

Labcorp Genetics (formerly Invitae), Labcorp
Classification: Likely benign for Tuberous sclerosis 2. Last evaluated: 2026-01-27. Review status: criteria provided, single submitter. Criteria: Invitae Variant Classification Sherloc (09022015). Collection method: clinical testing. Allele origin: germline.

Myriad Genetics, Inc.
Classification: Likely benign for Tuberous sclerosis 2. Last evaluated: 2025-05-20. Review status: criteria provided, single submitter. Criteria: Myriad Autosomal Dominant, Autosomal Recessive and X-Linked Classification Criteria (2023). Collection method: clinical testing. Allele origin: unknown.
Comment: This variant is considered likely benign. This variant is intronic and is not expected to impact mRNA splicing.

Women's Health and Genetics/Laboratory Corporation of America, LabCorp
Classification: Likely benign. Last evaluated: 2024-03-13. Review status: criteria provided, single submitter. Criteria: LabCorp Variant Classification Summary - May 2015. Collection method: clinical testing. Allele origin: germline.
Comment: Variant summary: TSC2 c.2545+10C>T alters a non-conserved nucleotide located at a position not widely known to affect splicing. Consensus agreement among computation tools predict no significant impact on normal splicing. However, these predictions have yet to be confirmed by functional studies. The variant allele was found at a frequency of 1e-05 in 1601716 control chromosomes (gnomAD v4). This frequency is not significantly higher than estimated for a pathogenic variant in TSC2 causing Tuberous Sclerosis Complex (1e-05 vs 6.9e-05), allowing no conclusion about variant significance. To our knowledge, no occurrence of c.2545+10C>T in individuals affected with Tuberous Sclerosis Complex and no experimental evidence demonstrating its impact on protein function have been reported. ClinVar contains an entry for this variant (Variation ID: 49625). Based on the evidence outlined above, the variant was classified as likely benign.

Blueprint Genetics
Classification: Likely benign. Last evaluated: 2020-11-25. Review status: criteria provided, single submitter. Criteria: ACMG Guidelines, 2015. Collection method: clinical testing. Allele origin: germline.

PreventionGenetics, part of Exact Sciences
Classification: Likely benign for TSC2-related condition. Last evaluated: 2023-02-16. Review status: no assertion criteria provided. Collection method: clinical testing. Allele origin: germline. Not counted in ClinVar's aggregate classification.
Comment: This variant is classified as likely benign based on ACMG/AMP sequence variant interpretation guidelines (Richards et al. 2015 PMID: 25741868, with internal and published modifications).

Tuberous sclerosis database (TSC2)
No classification provided. Condition: TSC. Review status: no classification provided. Criteria: Tuberous Sclerosis Database Assertion Criteria 2015. Collection method: curation. Allele origin: germline. Affected: yes. Not counted in ClinVar's aggregate classification.

NM_000548.5(TSC2):c.2545+10C>T

Gene: TSC2 (TSC complex subunit 2; plus strand). Cytogenetic location: 16p13.3.
Variant type: single nucleotide variant.
Coding change: c.2545+10C>T on transcript NM_000548.5 (MANE Select); 10 bases into the intron after coding-DNA position 2545, C replaced by T.
Molecular consequence: intron variant.
Genome position (GRCh38, 1-based): chr16:2,074,399, C>T. VCF-style: chr16-2074399-C-T. GRCh37 (hg19) VCF-style: chr16-2124400-C-T.
Other names: c.2545+10C>T (NM_001114382.3, NM_021055.3, NM_001370405.1 and 4 more transcripts); c.2434+10C>T (NM_001318827.2); c.1945+10C>T (NM_001318831.2); c.2398+10C>T (NM_001318829.2); c.2578+10C>T (NM_001318832.2).
Identifiers: ClinVar variation 49625 (VCV000049625.15), dbSNP rs45517241, ClinGen allele CA017592.